The following is an entry in ClinVar:

NM_000256.3(MYBPC3):c.1351+1G>T

Gene: MYBPC3 (myosin binding protein C3; minus strand). Cytogenetic location: 11p11.2.
Variant type: single nucleotide variant.
Coding change: c.1351+1G>T on transcript NM_000256.3 (MANE Select); the canonical splice donor site of the intron after coding-DNA position 1351, G replaced by T.
Molecular consequence: splice donor variant.
Genome position (GRCh38, 1-based): chr11:47,343,020, C>A on the plus strand (G>T on the coding strand, the complement: MYBPC3 is on the minus strand). VCF-style: chr11-47343020-C-A. GRCh37 (hg19) VCF-style: chr11-47364571-C-A.
Identifiers: ClinVar variation 4856616 (VCV004856616.1).

ClinVar aggregate classification (germline): Pathogenic (1 of 4 stars; one submission).

Conditions:
Hypertrophic cardiomyopathy 4. Also called: Familial hypertrophic cardiomyopathy 4. Identifiers: MedGen C1861862, MONDO:0007268, OMIM 115197.

Submission:

Molecular Genetics Laboratory, Motol Hospital
Classification: Pathogenic for Hypertrophic cardiomyopathy 4. Last evaluated: 2026-06-04. Review status: criteria provided, single submitter. Criteria: ACMG Guidelines, 2015. Collection method: clinical testing. Allele origin: germline. Affected: yes. Observed: 1 variant allele.
Comment: A rare variant not present in non-Finnish European population (PM2). The variant alters the canonical donor splice site in the intron 15 of the MYBPC3. Rare truncating and splice-site altering variants in the MYBPC3 gene are associated with autosomal dominant familial hypertrophic cardiomyopathy (PVS1). In silico prediction tools SpliceAI and dbscSNV Ada predict the deleterious effect on splicing. The variant is classified as pathogenic.

Literature cited by the submitters: PubMed 37445689; PubMed 30674652; PubMed 32396390; PubMed 27834932.